The following is an entry in ClinVar:

ClinVar aggregate classification (germline): Uncertain significance (1 of 4 stars; one submission).

Conditions:
Hermansky-Pudlak syndrome 2 (HPS2). Also called: Platelet defects and oculocutaneous albinism. Identifiers: Orphanet 183678, Orphanet 79430, MedGen C1842362, MONDO:0011997, OMIM 608233.

Submission:

Labcorp Genetics (formerly Invitae), Labcorp
Classification: Uncertain significance for Hermansky-Pudlak syndrome 2. Last evaluated: 2023-09-21. Review status: criteria provided, single submitter. Criteria: Invitae Variant Classification Sherloc (09022015). Collection method: clinical testing. Allele origin: germline.
Comment: This sequence change replaces threonine, which is neutral and polar, with asparagine, which is neutral and polar, at codon 862 of the AP3B1 protein (p.Thr862Asn). This variant is not present in population databases (gnomAD no frequency). This variant has not been reported in the literature in individuals affected with AP3B1-related conditions. An algorithm developed to predict the effect of missense changes on protein structure and function (PolyPhen-2) suggests that this variant is likely to be tolerated. In summary, the available evidence is currently insufficient to determine the role of this variant in disease. Therefore, it has been classified as a Variant of Uncertain Significance.

NM_003664.5(AP3B1):c.2585C>A (p.Thr862Asn)

Gene: AP3B1 (adaptor related protein complex 3 subunit beta 1; minus strand). Cytogenetic location: 5q14.1.
Variant type: single nucleotide variant.
Coding change: c.2585C>A on transcript NM_003664.5 (MANE Select); coding-DNA position 2585, C replaced by A.
Protein change: p.Thr862Asn; replaces threonine 862 with asparagine.
Molecular consequence: missense variant.
Genome position (GRCh38, 1-based): chr5:78,039,267, G>T on the plus strand (C>A on the coding strand, the complement: AP3B1 is on the minus strand). VCF-style: chr5-78039267-G-T. GRCh37 (hg19) VCF-style: chr5-77335091-G-T.
Other names: c.2438C>A, p.Thr813Asn (NM_001271769.2); short protein forms T862N, T813N.
Identifiers: ClinVar variation 2738264 (VCV002738264.3), dbSNP rs146624866, ClinGen allele CA360332325.
Genomic context (GRCh38, chr5:78,039,267, plus strand): 5'-AGTCCTTTTCCACTCATTCGATGAAGCAGCACGTGAGTTTTCGTTGGTACAAATGCAGGA[G>T]TACTGACCTATTACACACGGCAAAAAGAAAAAAAGATGAGTTAGTGAATATAATTATTCT-3'
Protein context (NP_003655.3, residues 852-872): STSSSVISVS[Thr862Asn]PAFVPTKTHV